The following is an entry in ClinVar:

NM_000797.4(DRD4):c.52_62del (p.Pro18fs)

Gene: DRD4 (dopamine receptor D4; plus strand). Cytogenetic location: 11p15.5.
Variant type: Deletion.
Coding change: c.52_62del on transcript NM_000797.4 (MANE Select); coding-DNA positions 52 to 62, 11 bases deleted (CCGGCCGCGGG).
Protein change: p.Pro18fs; shifts the reading frame from proline 18.
Molecular consequence: frameshift variant.
Genome position (GRCh38, 1-based): chr11:637,356-637,366, CCGGCCGCGGG deleted; deleting any 11 consecutive bases within chr11:637,350-637,366 gives the same sequence; the c. name uses the placement nearest the transcript's 3' end. VCF-style (leftmost placement, unchanged base first): chr11-637349-GCGCGGGCCGGC-G. GRCh37 (hg19) VCF-style: chr11-637349-GCGCGGGCCGGC-G.
Other names: short protein forms P18fs.
Identifiers: ClinVar variation 2585270 (VCV002585270.1), dbSNP rs1279080134, ClinGen allele CA597020708.

ClinVar aggregate classification (germline): Uncertain significance (1 of 4 stars; one submission).

Conditions:
Hereditary attention deficit-hyperactivity disorder. Also called: HYPERACTIVITY OF CHILDHOOD. Identifiers: MedGen CN324066, MONDO:0100518, OMIM 143465.

Submission:

Neuberg Centre For Genomic Medicine, NCGM
Classification: Uncertain significance for Hereditary attention deficit-hyperactivity disorder. Review status: criteria provided, single submitter. Criteria: ACMG Guidelines, 2015. Collection method: clinical testing. Allele origin: germline. Inheritance: Autosomal dominant inheritance. Affected: yes.
Comment: The frameshift deletion c.52_62del (p.Pro18GlyfsTer428) in DRD4 gene has not been reported previously as a pathogenic variant nor as a benign variant, to our knowledge. This variant is novel (not in any individuals) in gnomAD Exomes and in 1000 Genomes. This variant causes a frameshift starting with codon Proline 18, changes this amino acid to Glycine residue, and creates a premature Stop codon at position 428 of the new reading frame, denoted p.Pro18GlyfsTer428. Based on the above, the variant has been reclassified in her affected child also as VUS. For these reasons, this variant has been classified as Variant of Uncertain Significance (VUS).